The following is an entry in ClinVar:

NM_001267550.2(TTN):c.99460C>T (p.Arg33154Cys)

Genes: TTN (titin; minus strand), TTN-AS1 (TTN antisense RNA 1; plus strand). Cytogenetic location: 2q31.2.
Variant type: single nucleotide variant.
Coding change: c.99460C>T on transcript NM_001267550.2 (MANE Select); coding-DNA position 99460, C replaced by T.
Protein change: p.Arg33154Cys; replaces arginine 33154 with cysteine.
Molecular consequence: missense variant.
Genome position (GRCh38, 1-based): chr2:178,537,747, G>A on the plus strand (C>T on the coding strand, the complement: TTN is on the minus strand). VCF-style: chr2-178537747-G-A. GRCh37 (hg19) VCF-style: chr2-179402474-G-A.
Other names: c.91756C>T, p.Arg30586Cys (NM_133378.4); c.94537C>T, p.Arg31513Cys (NM_001256850.1); c.72265C>T, p.Arg24089Cys (NM_003319.4); c.72640C>T, p.Arg24214Cys (NM_133432.3); c.72841C>T, p.Arg24281Cys (NM_133437.4); short protein forms R33154C, R30586C, R24214C, R31513C, R24281C, R24089C.
Identifiers: ClinVar variation 290365 (VCV000290365.17), dbSNP rs143556947, ClinGen allele CA1986184.
Genomic context (GRCh38, chr2:178,537,747, plus strand): 5'-TGCAGGTATAAACACCTTCATCTTCCTGTTCCTCTGTCATTACTGTAAGAGTGTGTGTGC[G>A]TCCATCTGAAGACATTTTGTATTTCCGGCTTTGTATGAGCTCTTTACCAAATCTGTACCA-3'
Protein context (NP_001254479.2, residues 33144-33164): SRKYKMSSDG[Arg33154Cys]THTLTVMTEE

ClinVar aggregate classification (germline): Uncertain significance. Review status: criteria provided, multiple submitters, no conflicts (2 of 4 stars). 3 submissions from 3 submitters: Uncertain significance (3). Last evaluated 2025-07-01.

Allele frequency attached by ClinVar (database versions not stated): ExAC 0.00004; ESP Exome Variant Server 0.00008; gnomAD 0.00008 and 0.00009; TOPMed 0.00009; 1000 Genomes Project 30x 0.00047; 1000 Genomes Project 0.00060.
gnomAD v4.1: 36 of 1,613,708 alleles (0.0022%); highest among the groups gnomAD compares: African/African-American, 0.017%; no homozygotes.

Submissions (3):

CeGaT Center for Human Genetics Tuebingen
Classification: Uncertain significance. Last evaluated: 2025-07-01. Review status: criteria provided, single submitter. Criteria: CeGaT Center For Human Genetics Tuebingen Variant Classification Criteria Version 2. Collection method: clinical testing. Allele origin: germline. Affected: yes. Observed: 1 variant allele.
Comment: TTN: PM2

Laboratory for Molecular Medicine, Mass General Brigham Personalized Medicine
Classification: Uncertain significance. Last evaluated: 2016-12-08. Review status: criteria provided, single submitter. Criteria: LMM Criteria. Collection method: clinical testing. Allele origin: germline. Observed: 1 variant allele.
Comment: The p.Arg30586Cys variant in TTN has not been previously reported in individuals with cardiomyopathy, but has been identified in 3/66574 European chromosomes by the Exome Aggregation Consortium (ExAC; dbSNP r s143556947). Computational prediction tools and conservation analysis suggest th at the p.Arg30586Cys variant may impact the protein, though this information is not predictive enough to determine pathogenicity. In summary, the clinical signi ficance of the p.Arg30586Cys variant is uncertain.

Eurofins Ntd Llc (ga)
Classification: Uncertain significance. Last evaluated: 2016-09-01. Review status: criteria provided, single submitter. Criteria: EGL Classification Definitions 2015. Collection method: clinical testing. Allele origin: germline. Observed: 1 variant allele, 1 heterozygote.